The following is an entry in ClinVar:

ClinVar aggregate classification (germline): Uncertain significance (1 of 4 stars; one submission).

Allele frequency attached by ClinVar (database versions not stated): gnomAD 0.00016; TOPMed 0.00017; 1000 Genomes Project 30x 0.00031; 1000 Genomes Project 0.00040.

Submission:

Labcorp Genetics (formerly Invitae), Labcorp
Classification: Uncertain significance. Last evaluated: 2025-03-31. Review status: criteria provided, single submitter. Criteria: Invitae Variant Classification Sherloc (09022015). Collection method: clinical testing. Allele origin: germline.
Comment: This sequence change replaces arginine, which is basic and polar, with histidine, which is basic and polar, at codon 195 of the CCER2 protein (p.Arg195His). This variant is present in population databases (rs144166216, gnomAD 0.03%). This variant has not been reported in the literature in individuals affected with CCER2-related conditions. ClinVar contains an entry for this variant (Variation ID: 2712177). An algorithm developed to predict the effect of missense changes on protein structure and function outputs the following: PolyPhen-2: "Benign". The histidine amino acid residue is found in multiple mammalian species, which suggests that this missense change does not adversely affect protein function. In summary, the available evidence is currently insufficient to determine the role of this variant in disease. Therefore, it has been classified as a Variant of Uncertain Significance.

NM_001243212.2(CCER2):c.584G>A (p.Arg195His)

Gene: CCER2 (coiled-coil glutamate rich protein 2; minus strand). Cytogenetic location: 19q13.2.
Variant type: single nucleotide variant.
Coding change: c.584G>A on transcript NM_001243212.2 (MANE Select); coding-DNA position 584, G replaced by A.
Protein change: p.Arg195His; replaces arginine 195 with histidine.
Molecular consequence: missense variant.
Genome position (GRCh38, 1-based): chr19:38,910,690, C>T on the plus strand (G>A on the coding strand, the complement: CCER2 is on the minus strand). VCF-style: chr19-38910690-C-T. GRCh37 (hg19) VCF-style: chr19-39401330-C-T.
Other names: short protein forms R195H.
Identifiers: ClinVar variation 2712177 (VCV002712177.3), dbSNP rs144166216, ClinGen allele CA9422555.
Genomic context (GRCh38, chr19:38,910,690, plus strand): 5'-TGGTGGGGCAAGTCCTCGCGCCTCTCTCCTCCGCCTCTCTCGGCCCCCTGCCACAGGCTG[C>T]GGTCCCCGCCCAGCACCCGCACCCCCTTCTCCTCTGCCTGGAACTGGGCCGTCTCTTTGT-3'
Protein context (NP_001230141.1, residues 185-205): EKGVRVLGGD[Arg195His]SLWQGAERGG